The following is an entry in ClinVar:

ClinVar aggregate classification (germline): Likely pathogenic (1 of 4 stars; one submission).

Conditions:
Familial X-linked hypophosphatemic vitamin D refractory rickets (XLHRD). Also called: X-Linked Hypophosphatemia; Hypophosphatemic Rickets, X-Linked Dominant; HYPOPHOSPHATEMIC VITAMIN D-RESISTANT RICKETS; Hypophosphatemia, vitamin D-resistant rickets; Vitamin D-resistant rickets, X-linked. Identifiers: Orphanet 89936, MedGen C0733682, MONDO:0010619, OMIM 307800.

Submission:

Women's Health and Genetics/Laboratory Corporation of America, LabCorp
Classification: Likely pathogenic for X-linked Hypophosphatemic Rickets. Last evaluated: 2011-08-18. Review status: criteria provided, single submitter. Criteria: LabCorp Variant Classification Summary - May 2015. Collection method: curation, clinical testing. Allele origin: germline. Inheritance: Xlinked unknown. Affected: yes.
ClinVar note: Converted during submission from likely pathogenic to Likely pathogenic.

NM_000444.6(PHEX):c.1404+2T>G

Gene: PHEX (phosphate regulating endopeptidase X-linked; plus strand). Cytogenetic location: Xp22.11.
Variant type: single nucleotide variant.
Coding change: c.1404+2T>G on transcript NM_000444.6 (MANE Select); the canonical splice donor site of the intron after coding-DNA position 1404, T replaced by G.
Molecular consequence: splice donor variant.
Genome position (GRCh38, 1-based): chrX:22,133,626, T>G. VCF-style: chrX-22133626-T-G. GRCh37 (hg19) VCF-style: chrX-22151743-T-G.
Other names: c.1404+2T>G (NM_001282754.2).
Identifiers: ClinVar variation 36673 (VCV000036673.3), dbSNP rs193922454, ClinGen allele CA260501.